The following is an entry in ClinVar:

ClinVar aggregate classification (germline): Benign/Likely benign. Review status: criteria provided, multiple submitters, no conflicts (2 of 4 stars). 10 submissions from 10 submitters: Benign (7); Likely benign (1). 2 of the submissions do not count toward it. Last evaluated 2026-02-04.

Conditions:
Deficiency of adenosine deaminase 2. Also called: Adenosine Deaminase 2 Deficiency; Polyarteritis nodosa, childhoood-onset; VASCULITIS, AUTOINFLAMMATION, IMMUNODEFICIENCY, AND HEMATOLOGIC DEFECTS SYNDROME. Identifiers: Orphanet 404553, MedGen C3887654, MONDO:0014306, OMIM 615688, MONDO:0100317.

Allele frequency attached by ClinVar (database versions not stated): 1000 Genomes Project 0.18630; 1000 Genomes Project 30x 0.18676; TOPMed 0.25867; gnomAD 0.27480; ESP Exome Variant Server 0.29225.
gnomAD v4.1: 476,002 of 1,605,842 alleles (30%); highest among the groups gnomAD compares: Non-Finnish European, 33%; 75,008 homozygotes.

Submissions (13):

Labcorp Genetics (formerly Invitae), Labcorp
Classification: Benign for Deficiency of adenosine deaminase 2. Last evaluated: 2026-02-04. Review status: criteria provided, single submitter. Criteria: Invitae Variant Classification Sherloc (09022015). Collection method: clinical testing. Allele origin: germline.

Women's Health and Genetics/Laboratory Corporation of America, LabCorp
Classification: Benign. Last evaluated: 2026-01-22. Review status: criteria provided, single submitter. Criteria: LabCorp Variant Classification Summary - May 2015. Collection method: clinical testing. Allele origin: germline.
Comment: Variant summary: ADA2 c.1240-5C>G alters a nucleotide located at a position not widely known to affect splicing. Several computational tools predict a significant impact on normal splicing: Three predict the variant weakens a 3' acceptor site. One predict the variant creates a 5' donor site. However, these predictions have yet to be confirmed by functional studies. The variant allele was found at a frequency of 0.25 in 249176 control chromosomes in the gnomAD database, including 8773 homozygotes. The observed variant frequency exceeds the estimated maximal expected allele frequency for disease-causing variants in ADA2. To our knowledge, no occurrence of c.1240-5C>G in individuals affected with ADA2-related conditions and no experimental evidence demonstrating its impact on protein function have been reported. ClinVar contains an entry for this variant (Variation ID: 402528). Based on the evidence outlined above, the variant was classified as benign.

Blueprint Genetics
Classification: Likely benign. Last evaluated: 2024-11-28. Review status: criteria provided, single submitter. Criteria: ACMG Guidelines, 2015. Collection method: clinical testing. Allele origin: germline.

Unidad de Genómica Garrahan, Hospital de Pediatría Garrahan
Classification: Benign. Last evaluated: 2023-11-12. Review status: criteria provided, single submitter. Criteria: ACMG Guidelines, 2015. Collection method: clinical testing. Allele origin: germline. Affected: no. Observed: 33 variant alleles.
Comment: This variant is classified as Benign based on local population frequency. This variant was detected in 34% of patients studied by a panel of primary immunodeficiencies. Number of patients: 33. Only high quality variants are reported.

Mayo Clinic Laboratories, Mayo Clinic
Classification: Benign. Last evaluated: 2022-04-26. Review status: criteria provided, single submitter. Criteria: ACMG Guidelines, 2015. Collection method: clinical testing. Allele origin: germline. Observed: 533 variant alleles.

GeneDx
Classification: Benign. Last evaluated: 2021-05-04. Review status: criteria provided, single submitter. Criteria: GeneDx Variant Classification Process June 2021. Collection method: clinical testing. Allele origin: germline. Affected: yes.

Laboratory for Molecular Medicine, Mass General Brigham Personalized Medicine
Classification: Benign. Last evaluated: 2016-03-29. Review status: criteria provided, single submitter. Criteria: LMM Criteria. Collection method: clinical testing. Allele origin: germline.
Comment: Variant identified in a genome or exome case(s) and assessed due to predicted null impact of the variant or pathogenic assertions in the literature or databases. Disclaimer: This variant has not undergone full assessment. The following are preliminary notes: Frequency

Breakthrough Genomics
Classification: Benign. Review status: criteria provided, single submitter. Criteria: ACMG Guidelines, 2015. Collection method: not provided. Allele origin: germline. Inheritance: Autosomal recessive inheritance. Affected: yes.

Dr. Peter K. Rogan Lab, Western University
No classification provided (evidence only). Condition: Familial cancer of breast. Review status: no classification provided. Collection method: in vitro. Allele origin: not applicable. Functional consequence: retained intron. Not counted in ClinVar's aggregate classification.

Dr. Peter K. Rogan Lab, Western University
No classification provided (evidence only). Condition: Familial cancer of breast. Review status: no classification provided. Collection method: in vitro. Allele origin: not applicable. Functional consequence: retained intron. Not counted in ClinVar's aggregate classification.

Dr. Peter K. Rogan Lab, Western University
No classification provided (evidence only). Condition: Hepatocellular carcinoma. Review status: no classification provided. Collection method: in vitro. Allele origin: not applicable. Functional consequence: retained intron. Not counted in ClinVar's aggregate classification.

Genome Diagnostics Laboratory, University Medical Center Utrecht
Classification: Benign. Review status: no assertion criteria provided. Collection method: clinical testing. Allele origin: germline. Affected: yes. Study: VKGL Data-share Consensus. Not counted in ClinVar's aggregate classification.

Joint Genome Diagnostic Labs from Nijmegen and Maastricht, Radboudumc and MUMC+
Classification: Benign. Review status: no assertion criteria provided. Collection method: clinical testing. Allele origin: germline. Affected: yes. Study: VKGL Data-share Consensus. Not counted in ClinVar's aggregate classification.

NM_001282225.2(ADA2):c.1240-5C>G

Gene: ADA2 (adenosine deaminase 2; minus strand). Cytogenetic location: 22q11.1.
Variant type: single nucleotide variant.
Coding change: c.1240-5C>G on transcript NM_001282225.2 (MANE Select); 5 bases into the intron before coding-DNA position 1240, C replaced by G.
Molecular consequence: intron variant.
Genome position (GRCh38, 1-based): chr22:17,182,027, G>C on the plus strand (C>G on the coding strand, the complement: ADA2 is on the minus strand). VCF-style: chr22-17182027-G-C. GRCh37 (hg19) VCF-style: chr22-17662917-G-C.
Other names: p.?; c.1114-5C>G (NM_001282227.2, NM_001282228.2); c.880-5C>G (NM_001282229.2); c.1240-5C>G (NM_001282226.2); c.517-5C>G (NM_177405.3).
Identifiers: ClinVar variation 402528 (VCV000402528.26), dbSNP rs3764846, ClinGen allele CA10087910.